The following is an entry in ClinVar:

ClinVar aggregate classification (germline): Uncertain significance (1 of 4 stars; one submission).

Conditions:
Familial cancer of breast. Also called: Hereditary breast cancer; BREAST CANCER, FAMILIAL; hereditary breast carcinoma. Identifiers: Orphanet 227535, MedGen C0346153, MONDO:0016419, OMIM 114480. Disease mechanism: loss of function.

Submission:

Labcorp Genetics (formerly Invitae), Labcorp
Classification: Uncertain significance for Familial cancer of breast. Last evaluated: 2019-11-02. Review status: criteria provided, single submitter. Criteria: Invitae Variant Classification Sherloc (09022015). Collection method: clinical testing. Allele origin: germline.
Comment: In summary, the available evidence is currently insufficient to determine the role of this variant in disease. Therefore, it has been classified as a Variant of Uncertain Significance. This sequence change replaces lysine with glutamic acid at codon 393 of the PALB2 protein (p.Lys393Glu). The lysine residue is weakly conserved and there is a small physicochemical difference between lysine and glutamic acid. This variant is not present in population databases (ExAC no frequency). This variant has not been reported in the literature in individuals with PALB2-related conditions. Algorithms developed to predict the effect of missense changes on protein structure and function output the following: SIFT: "Tolerated"; PolyPhen-2: "Benign"; Align-GVGD: "Class C0". The glutamic acid amino acid residue is found in multiple mammalian species, suggesting that this missense change does not adversely affect protein function. These predictions have not been confirmed by published functional studies and their clinical significance is uncertain. Algorithms developed to predict the effect of sequence changes on RNA splicing suggest that this variant may create or strengthen a splice site, but this prediction has not been confirmed by published transcriptional studies.

NM_024675.4(PALB2):c.1177A>G (p.Lys393Glu)

Gene: PALB2 (partner and localizer of BRCA2; minus strand). Cytogenetic location: 16p12.2.
Variant type: single nucleotide variant.
Coding change: c.1177A>G on transcript NM_024675.4 (MANE Select); coding-DNA position 1177, A replaced by G.
Protein change: p.Lys393Glu; replaces lysine 393 with glutamic acid.
Molecular consequence: missense variant.
Genome position (GRCh38, 1-based): chr16:23,635,369, T>C on the plus strand (A>G on the coding strand, the complement: PALB2 is on the minus strand). VCF-style: chr16-23635369-T-C. GRCh37 (hg19) VCF-style: chr16-23646690-T-C.
Other names: short protein forms K393E.
Identifiers: ClinVar variation 965400 (VCV000965400.10), dbSNP rs866787789, ClinGen allele CA395133391.